The following is an entry in ClinVar:

ClinVar aggregate classification (germline): Uncertain significance (1 of 4 stars; one submission).

Conditions:
Intellectual developmental disorder, autosomal dominant 1. Also called: Intellectual disability, autosomal dominant 1; MBD5 Haploinsufficiency. Identifiers: Orphanet 228402, MedGen C1969562, MONDO:0007974, OMIM 156200.

gnomAD v4.1: 2 of 1,612,216 alleles (0.00012%); highest among the groups gnomAD compares: East Asian, 0.0022%; no homozygotes.

Submission:

Labcorp Genetics (formerly Invitae), Labcorp
Classification: Uncertain significance for Intellectual developmental disorder, autosomal dominant 1. Last evaluated: 2024-01-21. Review status: criteria provided, single submitter. Criteria: Invitae Variant Classification Sherloc (09022015). Collection method: clinical testing. Allele origin: germline.
Comment: This sequence change replaces threonine, which is neutral and polar, with alanine, which is neutral and non-polar, at codon 271 of the MBD5 protein (p.Thr271Ala). This variant is not present in population databases (gnomAD no frequency). This variant has not been reported in the literature in individuals affected with MBD5-related conditions. ClinVar contains an entry for this variant (Variation ID: 654654). Advanced modeling of protein sequence and biophysical properties (such as structural, functional, and spatial information, amino acid conservation, physicochemical variation, residue mobility, and thermodynamic stability) performed at Invitae indicates that this missense variant is not expected to disrupt MBD5 protein function with a negative predictive value of 80%. In summary, the available evidence is currently insufficient to determine the role of this variant in disease. Therefore, it has been classified as a Variant of Uncertain Significance.

NM_001378120.1(MBD5):c.811A>G (p.Thr271Ala)

Gene: MBD5 (methyl-CpG binding domain protein 5; plus strand). Cytogenetic location: 2q23.1.
Variant type: single nucleotide variant.
Coding change: c.811A>G on transcript NM_001378120.1 (MANE Select); coding-DNA position 811, A replaced by G.
Protein change: p.Thr271Ala; replaces threonine 271 with alanine.
Molecular consequence: missense variant.
Genome position (GRCh38, 1-based): chr2:148,468,754, A>G. VCF-style: chr2-148468754-A-G. GRCh37 (hg19) VCF-style: chr2-149226323-A-G.
Other names: c.811A>G, p.Thr271Ala (NM_018328.5); short protein forms T271A.
Identifiers: ClinVar variation 654654 (VCV000654654.9), dbSNP rs899476247, ClinGen allele CA57577512.